The following is an entry in ClinVar:

ClinVar aggregate classification (germline): Pathogenic (1 of 4 stars; one submission).

Conditions:
Hereditary cancer-predisposing syndrome. Also called: Hereditary Cancer Syndrome; Hereditary neoplastic syndrome; Neoplastic Syndromes, Hereditary; Tumor predisposition. Identifiers: Orphanet 140162, MedGen C0027672, MeSH D009386, MONDO:0015356.

Submission:

Ambry Genetics
Classification: Pathogenic for Hereditary cancer-predisposing syndrome. Last evaluated: 2021-11-16. Review status: criteria provided, single submitter. Criteria: Ambry Variant Classification Scheme 2023. Collection method: clinical testing. Allele origin: germline.
Comment: The c.998delT pathogenic mutation, located in coding exon 9 of the BRCA2 gene, results from a deletion of one nucleotide at nucleotide position 998, causing a translational frameshift with a predicted alternate stop codon (p.F333Sfs*16). This variant is considered to be rare based on population cohorts in the Genome Aggregation Database (gnomAD). This alteration is expected to result in loss of function by premature protein truncation or nonsense-mediated mRNA decay. As such, this alteration is interpreted as a disease-causing mutation.

NM_000059.4(BRCA2):c.998del (p.Phe333fs)

Gene: BRCA2 (BRCA2 DNA repair associated; plus strand). Cytogenetic location: 13q13.1.
Variant type: Deletion.
Coding change: c.998del on transcript NM_000059.4 (MANE Select); coding-DNA position 998, one base deleted (T; older notation c.998delT).
Protein change: p.Phe333fs; shifts the reading frame from phenylalanine 333.
Molecular consequence: frameshift variant.
Genome position (GRCh38, 1-based): chr13:32,332,476, T deleted; the last of 4 consecutive T bases (chr13:32,332,473-32,332,476); deleting any one gives the same sequence. VCF-style (leftmost placement, unchanged base first): chr13-32332472-AT-A. GRCh37 (hg19) VCF-style: chr13-32906609-AT-A.
Other names: c.998delT, p.Phe333Serfs (NM_001406719.1, NM_001406720.1, NM_001406721.1); short protein forms F333fs.
Identifiers: ClinVar variation 1768820 (VCV001768820.2), dbSNP rs397507437, ClinGen allele CA2580087195.